The following is an entry in ClinVar:

ClinVar aggregate classification (germline): Pathogenic (1 of 4 stars; one submission).

Conditions:
Polycystic kidney disease, adult type (PKD1). Also called: Polycystic Kidney Disease 1, Autosomal Dominant; Polycystic kidney disease 1; Polycystic kidney disease 1, severe; Polycystic Kidney, Autosomal Dominant; POLYCYSTIC KIDNEY DISEASE, ADULT, TYPE I; POLYCYSTIC KIDNEY DISEASE 1 WITH OR WITHOUT POLYCYSTIC LIVER DISEASE. Identifiers: MedGen C3149841, MONDO:0008263, OMIM 173900.

Submission:

Women's Health and Genetics/Laboratory Corporation of America, LabCorp
Classification: Pathogenic for Polycystic kidney disease, adult type. Last evaluated: 2023-05-26. Review status: criteria provided, single submitter. Criteria: LabCorp Variant Classification Summary - May 2015. Collection method: clinical testing. Allele origin: germline.
Comment: Variant summary: PKD1 c.6749_6750delCG (p.Thr2250SerfsX11) results in a premature termination codon, predicted to cause a truncation of the encoded protein or absence of the protein due to nonsense mediated decay, which are commonly known mechanisms for disease. The variant was absent in 248510 control chromosomes. To our knowledge, no occurrence of c.6749_6750delCG in individuals affected with Polycystic Kidney Disease 1 and no experimental evidence demonstrating its impact on protein function have been reported. No clinical diagnostic laboratories have submitted clinical-significance assessments for this variant to ClinVar after 2014. Based on the evidence outlined above, the variant was classified as pathogenic.

NM_001009944.3(PKD1):c.6749_6750del (p.Thr2250fs)

Gene: PKD1 (polycystin 1, transient receptor potential channel interacting; minus strand). Cytogenetic location: 16p13.3.
Variant type: Deletion.
Coding change: c.6749_6750del on transcript NM_001009944.3 (MANE Select); coding-DNA positions 6749 to 6750, 2 bases deleted (CG; older notation c.6749_6750delCG).
Protein change: p.Thr2250fs; shifts the reading frame from threonine 2250.
Molecular consequence: frameshift variant.
Genome position (GRCh38, 1-based): chr16:2,108,417-2,108,418, CG deleted on the plus strand (CG on the coding strand, the reverse complement: PKD1 is on the minus strand). VCF-style (leftmost placement, unchanged base first): chr16-2108416-CCG-C. GRCh37 (hg19) VCF-style: chr16-2158417-CCG-C.
Other names: c.6749_6750del, p.Thr2250fs (NM_000296.4); short protein forms T2250fs.
Identifiers: ClinVar variation 2506228 (VCV002506228.1), dbSNP rs2544800643, ClinGen allele CA2580613375.